The following is an entry in ClinVar:

NM_024996.7(GFM1):c.2070+1G>A

Gene: GFM1 (G elongation factor mitochondrial 1; plus strand). Cytogenetic location: 3q25.32.
Variant type: single nucleotide variant.
Coding change: c.2070+1G>A on transcript NM_024996.7 (MANE Select); the canonical splice donor site of the intron after coding-DNA position 2070, G replaced by A.
Molecular consequence: splice donor variant.
Genome position (GRCh38, 1-based): chr3:158,690,324, G>A. VCF-style: chr3-158690324-G-A. GRCh37 (hg19) VCF-style: chr3-158408113-G-A.
Other names: c.2127+1G>A (NM_001308164.2); c.1845+1G>A (NM_001374357.1); c.1989+1G>A (NM_001374355.1); c.1953+1G>A (NM_001374356.1); c.1503+1G>A (NM_001374359.1, NM_001374360.1); c.1386+1G>A (NM_001374361.1); c.1611+1G>A (NM_001374358.1).
Identifiers: ClinVar variation 2743240 (VCV002743240.4), dbSNP rs200697129, ClinGen allele CA355182812.

ClinVar aggregate classification (germline): Likely pathogenic. Review status: criteria provided, multiple submitters, no conflicts (2 of 4 stars). 2 submissions from 2 submitters: Likely pathogenic (2). Last evaluated 2024-02-14.

Conditions:
Hepatoencephalopathy due to combined oxidative phosphorylation defect type 1. Also called: HEPATOENCEPHALOPATHY, EARLY FATAL PROGRESSIVE. Identifiers: Orphanet 137681, MedGen C1836797, MONDO:0012191, OMIM 609060.

Allele frequency attached by ClinVar (database versions not stated): gnomAD exomes below 0.00001.
gnomAD v4.1: 2 of 1,613,396 alleles (0.00012%); highest among the groups gnomAD compares: Non-Finnish European, 0.00017%; no homozygotes.

Submissions (2):

Baylor Genetics
Classification: Likely pathogenic for Hepatoencephalopathy due to combined oxidative phosphorylation defect type 1. Last evaluated: 2024-02-14. Review status: criteria provided, single submitter. Criteria: ACMG Guidelines, 2015. Collection method: clinical testing. Allele origin: unknown.

Labcorp Genetics (formerly Invitae), Labcorp
Classification: Likely pathogenic. Last evaluated: 2023-07-14. Review status: criteria provided, single submitter. Criteria: Invitae Variant Classification Sherloc (09022015). Collection method: clinical testing. Allele origin: germline.
Comment: In summary, the currently available evidence indicates that the variant is pathogenic, but additional data are needed to prove that conclusively. Therefore, this variant has been classified as Likely Pathogenic. Algorithms developed to predict the effect of sequence changes on RNA splicing suggest that this variant may disrupt the consensus splice site. This variant has not been reported in the literature in individuals affected with GFM1-related conditions. This variant is not present in population databases (gnomAD no frequency). This sequence change affects a donor splice site in intron 16 of the GFM1 gene. It is expected to disrupt RNA splicing. Variants that disrupt the donor or acceptor splice site typically lead to a loss of protein function (PMID: 16199547), and loss-of-function variants in GFM1 are known to be pathogenic (PMID: 16632485, 17160893).

Literature cited by the submitters: PubMed 16199547 (cited by Labcorp Genetics (formerly Invitae), Labcorp); PubMed 16632485 (cited by Labcorp Genetics (formerly Invitae), Labcorp); PubMed 17160893 (cited by Labcorp Genetics (formerly Invitae), Labcorp).